The following is an entry in ClinVar:

ClinVar aggregate classification (germline): Pathogenic/Likely pathogenic. Review status: criteria provided, multiple submitters, no conflicts (2 of 4 stars). 3 submissions from 3 submitters: Pathogenic (2); Likely pathogenic (1). Last evaluated 2023-12-12.

Conditions:
Autosomal recessive limb-girdle muscular dystrophy type 2A (LGMDR1). Also called: Calpainopathy; MUSCULAR DYSTROPHY, PELVOFEMORAL; Limb-girdle muscular dystrophy, type 2A; Muscular dystrophy, limb-girdle, type 2A, Amish; LEYDEN-MOEBIUS MUSCULAR DYSTROPHY. Identifiers: Orphanet 267, MedGen C1869123, MONDO:0009675, OMIM 253600. Disease mechanism: loss of function.

Submissions (3):

Labcorp Genetics (formerly Invitae), Labcorp
Classification: Pathogenic for Autosomal recessive limb-girdle muscular dystrophy type 2A. Last evaluated: 2023-12-12. Review status: criteria provided, single submitter. Criteria: Invitae Variant Classification Sherloc (09022015). Collection method: clinical testing. Allele origin: germline.
Comment: This sequence change creates a premature translational stop signal (p.Trp727Glyfs*49) in the CAPN3 gene. It is expected to result in an absent or disrupted protein product. Loss-of-function variants in CAPN3 are known to be pathogenic (PMID: 10330340, 15689361). This variant is not present in population databases (gnomAD no frequency). This variant has not been reported in the literature in individuals affected with CAPN3-related conditions. ClinVar contains an entry for this variant (Variation ID: 284870). For these reasons, this variant has been classified as Pathogenic.

Revvity Omics, Revvity
Classification: Likely pathogenic. Last evaluated: 2022-10-12. Review status: criteria provided, single submitter. Criteria: ACMG Guidelines, 2015. Collection method: clinical testing. Allele origin: germline.

Eurofins Ntd Llc (ga)
Classification: Pathogenic. Last evaluated: 2015-11-23. Review status: criteria provided, single submitter. Criteria: EGL Classification Definitions 2015. Collection method: clinical testing. Allele origin: germline. Observed: 1 variant allele, 1 heterozygote.

Literature cited by the submitters: PubMed 10330340 (cited by Labcorp Genetics (formerly Invitae), Labcorp); PubMed 15689361 (cited by Labcorp Genetics (formerly Invitae), Labcorp).

NM_000070.3(CAPN3):c.2179del (p.Trp727fs)

Gene: CAPN3 (calpain 3; plus strand). Cytogenetic location: 15q15.1.
Variant type: Deletion.
Coding change: c.2179del on transcript NM_000070.3 (MANE Select); coding-DNA position 2179, one base deleted (T; older notation c.2179delT).
Protein change: p.Trp727fs; shifts the reading frame from tryptophan 727.
Molecular consequence: frameshift variant.
Genome position (GRCh38, 1-based): chr15:42,410,491, T deleted. VCF-style (leftmost placement, unchanged base first): chr15-42410490-CT-C. GRCh37 (hg19) VCF-style: chr15-42702688-CT-C.
Other names: c.2161del, p.Trp721fs (NM_024344.2); c.1903del, p.Trp635fs (NM_173087.2); c.643del, p.Trp215fs (NM_173088.2); c.184del, p.Trp62fs (NM_173089.2, NM_173090.2); short protein forms W721fs, W635fs, W215fs, W62fs, W727fs.
Identifiers: ClinVar variation 284870 (VCV000284870.11), dbSNP rs886042964, ClinGen allele CA10604931.